The following is an entry in ClinVar:

ClinVar aggregate classification (germline): Uncertain significance. Review status: criteria provided, multiple submitters, no conflicts (2 of 4 stars). 3 submissions from 3 submitters: Uncertain significance (3). Last evaluated 2025-07-29.

Conditions:
Classic or attenuated familial adenomatous polyposis. Identifiers: MedGen CN372698, MONDO:0021057.
Hereditary cancer-predisposing syndrome. Also called: Neoplastic Syndromes, Hereditary; Tumor predisposition; Hereditary Cancer Syndrome; Hereditary neoplastic syndrome. Identifiers: Orphanet 140162, MedGen C0027672, MeSH D009386, MONDO:0015356.
Familial adenomatous polyposis 1 (FAP1). Also called: FAMILIAL ADENOMATOUS POLYPOSIS 1, ATTENUATED; POLYPOSIS, ADENOMATOUS INTESTINAL. Identifiers: MedGen C2713442, MONDO:0021056, OMIM 175100. Disease mechanism: loss of function.

Submissions (3):

Ambry Genetics
Classification: Uncertain significance for Hereditary cancer-predisposing syndrome. Last evaluated: 2025-07-29. Review status: criteria provided, single submitter. Criteria: Ambry Variant Classification Scheme 2023. Collection method: clinical testing. Allele origin: germline.
Comment: The c.5603_5604insCGA variant (also known as p.D1871dup), located in coding exon 15 of the APC gene, results from an in-frame CGA insertion at nucleotide positions 5603 to 5604. This results in the insertion of an extra residue between codons 1871 and 1871. This amino acid position is highly conserved in available vertebrate species. In addition, this variant is predicted to be neutral by in silico analysis (Choi Y et al. PLoS ONE. 2012; 7(10):e46688). Based on the available evidence, the clinical significance of this variant remains unclear.

All of Us Research Program, National Institutes of Health
Classification: Uncertain significance for Classic or attenuated familial adenomatous polyposis. Last evaluated: 2023-08-15. Review status: criteria provided, single submitter. Criteria: ACMG Guidelines, 2015. Collection method: clinical testing. Allele origin: germline. Inheritance: Autosomal dominant inheritance. Observed: 1 variant allele, 1 heterozygote.
Comment: This study involves interpretation of variants in research participants for the purpose of population health screening. Participant phenotype was not available at the time of variant classification. Additional details can be found in publication PMID: 35346344, PMCID: PMC8962531

Labcorp Genetics (formerly Invitae), Labcorp
Classification: Uncertain significance for Familial adenomatous polyposis 1. Last evaluated: 2022-09-03. Review status: criteria provided, single submitter. Criteria: Invitae Variant Classification Sherloc (09022015). Collection method: clinical testing. Allele origin: germline.
Comment: This variant, c.5603_5604insCGA, results in the insertion of 1 amino acid(s) of the APC protein (p.Asp1871dup), but otherwise preserves the integrity of the reading frame. This variant is not present in population databases (gnomAD no frequency). This variant has not been reported in the literature in individuals affected with APC-related conditions. ClinVar contains an entry for this variant (Variation ID: 482382). In summary, the available evidence is currently insufficient to determine the role of this variant in disease. Therefore, it has been classified as a Variant of Uncertain Significance.

NM_000038.6(APC):c.5603_5604insCGA (p.Asp1871dup)

Gene: APC (APC regulator of Wnt signaling pathway; plus strand). Cytogenetic location: 5q22.2.
Variant type: Insertion.
Coding change: c.5603_5604insCGA on transcript NM_000038.6 (MANE Select); coding-DNA positions 5603 to 5604, CGA inserted.
Protein change: p.Asp1871dup; duplicates aspartic acid 1871.
Molecular consequence: inframe insertion.
Genome position: GRCh38 VCF-style: chr5-112841195-T-TGAC. GRCh37 (hg19) VCF-style: chr5-112176892-T-TGAC.
Other names: c.5603_5604insCGA, p.Asp1871dup (NM_001127510.3, NM_001354895.2); c.5549_5550insCGA, p.Asp1853dup (NM_001127511.3); c.5657_5658insCGA, p.Asp1889dup (NM_001354896.2); c.5633_5634insCGA, p.Asp1881dup (NM_001354897.2); c.5528_5529insCGA, p.Asp1846dup (NM_001354898.2); c.5519_5520insCGA, p.Asp1843dup (NM_001354899.2); c.5480_5481insCGA, p.Asp1830dup (NM_001354900.2); c.5426_5427insCGA, p.Asp1812dup (NM_001354901.2); and 5 more.
Identifiers: ClinVar variation 482382 (VCV000482382.12), dbSNP rs1554086829, ClinGen allele CA658655973.